The following is an entry in ClinVar:

ClinVar aggregate classification (germline): Uncertain significance. Review status: criteria provided, multiple submitters, no conflicts (2 of 4 stars). 3 submissions from 3 submitters: Uncertain significance (3). Last evaluated 2024-08-01.

Conditions:
Inborn genetic diseases. Identifiers: MedGen C0950123, MeSH D030342.
Congenital myasthenic syndrome 10. Also called: Myasthenia, limb-girdle, familial. Identifiers: Orphanet 590, MedGen C1850792, MONDO:0009690, OMIM 254300.
Fetal akinesia deformation sequence 1 (FADS1). Also called: Fetal akinesia sequence; Pena-Shokeir syndrome type I. Identifiers: Orphanet 994, MedGen C1276035, MONDO:0100101, OMIM 208150, HP:0001989.

Allele frequency attached by ClinVar (database versions not stated): gnomAD below 0.00001 and 0.00001; ExAC 0.00003; gnomAD exomes 0.00004.

Submissions (3):

Ambry Genetics
Classification: Uncertain significance for Inborn genetic diseases. Last evaluated: 2024-08-01. Review status: criteria provided, single submitter. Criteria: Ambry Variant Classification Scheme 2023. Collection method: clinical testing. Allele origin: germline.

Labcorp Genetics (formerly Invitae), Labcorp
Classification: Uncertain significance for Congenital myasthenic syndrome 10; Fetal akinesia deformation sequence 1. Last evaluated: 2022-07-30. Review status: criteria provided, single submitter. Criteria: Invitae Variant Classification Sherloc (09022015). Collection method: clinical testing. Allele origin: germline.
Comment: This sequence change replaces proline, which is neutral and non-polar, with threonine, which is neutral and polar, at codon 209 of the DOK7 protein (p.Pro209Thr). This variant is present in population databases (rs759603846, gnomAD 0.03%). This variant has not been reported in the literature in individuals affected with DOK7-related conditions. ClinVar contains an entry for this variant (Variation ID: 1033204). Algorithms developed to predict the effect of missense changes on protein structure and function are either unavailable or do not agree on the potential impact of this missense change (SIFT: "Deleterious"; PolyPhen-2: "Probably Damaging"; Align-GVGD: "Class C0"). In summary, the available evidence is currently insufficient to determine the role of this variant in disease. Therefore, it has been classified as a Variant of Uncertain Significance.

Baylor Genetics
Classification: Uncertain significance for Fetal akinesia deformation sequence 1. Last evaluated: 2018-02-11. Review status: criteria provided, single submitter. Criteria: ACMG Guidelines, 2015. Collection method: clinical testing. Allele origin: maternal. Affected: yes.
Comment: This variant was determined to be of uncertain significance according to ACMG Guidelines, 2015 [PMID:25741868].

NM_173660.5(DOK7):c.625C>A (p.Pro209Thr)

Gene: DOK7 (docking protein 7; plus strand). Cytogenetic location: 4p16.3.
Variant type: single nucleotide variant.
Coding change: c.625C>A on transcript NM_173660.5 (MANE Select); coding-DNA position 625, C replaced by A.
Protein change: p.Pro209Thr; replaces proline 209 with threonine.
Molecular consequence: missense variant. On other transcripts: 5 prime UTR variant (1).
Genome position (GRCh38, 1-based): chr4:3,485,631, C>A. VCF-style: chr4-3485631-C-A. GRCh37 (hg19) VCF-style: chr4-3487358-C-A.
Other names: c.614C>A, p.Pro205His (NM_001164673.2); c.-306C>A (NM_001256896.2); c.625C>A, p.Pro209Thr (NM_001301071.2); c.193C>A, p.Pro65Thr (NM_001363811.2); short protein forms P209T, P205H, P65T.
Identifiers: ClinVar variation 1033204 (VCV001033204.4), dbSNP rs759603846, ClinGen allele CA2829090.